The following is an entry in ClinVar:

ClinVar aggregate classification (germline): Uncertain significance. Review status: criteria provided, multiple submitters, no conflicts (2 of 4 stars). 2 submissions from 2 submitters: Uncertain significance (2). Last evaluated 2025-08-12.

Conditions:
Inborn genetic diseases. Identifiers: MedGen C0950123, MeSH D030342.
Hyperphosphatasia with intellectual disability syndrome 5 (GPIBD11). Also called: GLYCOSYLPHOSPHATIDYLINOSITOL BIOSYNTHESIS DEFECT 11. Identifiers: Orphanet 247262, MedGen C4014958, MONDO:0014457, OMIM 616025.

Allele frequency attached by ClinVar (database versions not stated): gnomAD exomes below 0.00001.
gnomAD v4.1: 1 of 1,613,328 alleles (0.000062%); highest among the groups gnomAD compares: Non-Finnish European, 0.000085%; no homozygotes.

Submissions (2):

Ambry Genetics
Classification: Uncertain significance for Inborn genetic diseases. Last evaluated: 2025-08-12. Review status: criteria provided, single submitter. Criteria: Ambry Variant Classification Scheme 2023. Collection method: clinical testing. Allele origin: germline.

Labcorp Genetics (formerly Invitae), Labcorp
Classification: Uncertain significance for Hyperphosphatasia with intellectual disability syndrome 5. Last evaluated: 2021-09-17. Review status: criteria provided, single submitter. Criteria: Invitae Variant Classification Sherloc (09022015). Collection method: clinical testing. Allele origin: germline.
Comment: This sequence change replaces arginine with glutamine at codon 366 of the PIGW protein (p.Arg366Gln). The arginine residue is highly conserved and there is a small physicochemical difference between arginine and glutamine. This variant is not present in population databases (ExAC no frequency). This variant has not been reported in the literature in individuals affected with PIGW-related conditions. Algorithms developed to predict the effect of missense changes on protein structure and function (SIFT, PolyPhen-2, Align-GVGD) all suggest that this variant is likely to be disruptive. In summary, the available evidence is currently insufficient to determine the role of this variant in disease. Therefore, it has been classified as a Variant of Uncertain Significance.

NM_001346754.2(PIGW):c.1097G>A (p.Arg366Gln)

Genes: MYO19 (myosin XIX; minus strand), PIGW (phosphatidylinositol glycan anchor biosynthesis class W; plus strand). Cytogenetic location: 17q12.
Variant type: single nucleotide variant.
Coding change: c.1097G>A on transcript NM_001346754.2 (MANE Select); coding-DNA position 1097, G replaced by A.
Protein change: p.Arg366Gln; replaces arginine 366 with glutamine.
Molecular consequence: missense variant.
Genome position (GRCh38, 1-based): chr17:36,538,198, G>A. VCF-style: chr17-36538198-G-A. GRCh37 (hg19) VCF-style: chr17-34894047-G-A.
Other names: c.1097G>A, p.Arg366Gln (NM_001346755.2, NM_178517.5); c.1097G>A (NM_178517.3); short protein forms R366Q.
Identifiers: ClinVar variation 1357063 (VCV001357063.6), dbSNP rs769740282, ClinGen allele CA290116593.